The following is an entry in ClinVar:

NM_003801.4(GPAA1):c.471C>G (p.Ser157Arg)

Gene: GPAA1 (glycosylphosphatidylinositol anchor attachment 1; plus strand). Cytogenetic location: 8q24.3.
Variant type: single nucleotide variant.
Coding change: c.471C>G on transcript NM_003801.4 (MANE Select); coding-DNA position 471, C replaced by G.
Protein change: p.Ser157Arg; replaces serine 157 with arginine.
Molecular consequence: missense variant.
Genome position (GRCh38, 1-based): chr8:144,083,818, C>G. VCF-style: chr8-144083818-C-G. GRCh37 (hg19) VCF-style: chr8-145138721-C-G.
Other names: short protein forms S157R.
Identifiers: ClinVar variation 1952425 (VCV001952425.6), dbSNP rs782228443, ClinGen allele CA372599064.

ClinVar aggregate classification (germline): Uncertain significance. Review status: criteria provided, multiple submitters, no conflicts (2 of 4 stars). 2 submissions from 2 submitters: Uncertain significance (2). Last evaluated 2024-01-03.

gnomAD v4.1: 1 of 1,610,862 alleles (0.000062%); highest among the groups gnomAD compares: Non-Finnish European, 0.000085%; no homozygotes.

Submissions (2):

Blueprint Genetics
Classification: Uncertain significance. Last evaluated: 2024-01-03. Review status: criteria provided, single submitter. Criteria: ACMG Guidelines, 2015. Collection method: clinical testing. Allele origin: germline.

Labcorp Genetics (formerly Invitae), Labcorp
Classification: Uncertain significance. Last evaluated: 2022-03-12. Review status: criteria provided, single submitter. Criteria: Invitae Variant Classification Sherloc (09022015). Collection method: clinical testing. Allele origin: germline.
Comment: In summary, the available evidence is currently insufficient to determine the role of this variant in disease. Therefore, it has been classified as a Variant of Uncertain Significance. Algorithms developed to predict the effect of missense changes on protein structure and function (SIFT, PolyPhen-2, Align-GVGD) all suggest that this variant is likely to be tolerated. This variant has not been reported in the literature in individuals affected with GPAA1-related conditions. This variant is not present in population databases (gnomAD no frequency). This sequence change replaces serine, which is neutral and polar, with arginine, which is basic and polar, at codon 157 of the GPAA1 protein (p.Ser157Arg).